The following is an entry in ClinVar:

ClinVar aggregate classification (germline): Uncertain significance (1 of 4 stars; one submission).

Allele frequency attached by ClinVar (database versions not stated): TOPMed 0.00001.

Submission:

Labcorp Genetics (formerly Invitae), Labcorp
Classification: Uncertain significance. Last evaluated: 2022-09-29. Review status: criteria provided, single submitter. Criteria: Invitae Variant Classification Sherloc (09022015). Collection method: clinical testing. Allele origin: germline.
Comment: In summary, the available evidence is currently insufficient to determine the role of this variant in disease. Therefore, it has been classified as a Variant of Uncertain Significance. Advanced modeling of protein sequence and biophysical properties (such as structural, functional, and spatial information, amino acid conservation, physicochemical variation, residue mobility, and thermodynamic stability) performed at Invitae indicates that this missense variant is not expected to disrupt FLNB protein function. This variant has not been reported in the literature in individuals affected with FLNB-related conditions. This variant is not present in population databases (gnomAD no frequency). This sequence change replaces leucine, which is neutral and non-polar, with valine, which is neutral and non-polar, at codon 880 of the FLNB protein (p.Leu880Val).

NM_001457.4(FLNB):c.2638C>G (p.Leu880Val)

Gene: FLNB (filamin B; plus strand). Cytogenetic location: 3p14.3.
Variant type: single nucleotide variant.
Coding change: c.2638C>G on transcript NM_001457.4 (MANE Select); coding-DNA position 2638, C replaced by G.
Protein change: p.Leu880Val; replaces leucine 880 with valine.
Molecular consequence: missense variant.
Genome position (GRCh38, 1-based): chr3:58,112,211, C>G. VCF-style: chr3-58112211-C-G. GRCh37 (hg19) VCF-style: chr3-58097938-C-G.
Other names: c.2638C>G, p.Leu880Val (NM_001164317.2, NM_001164318.2, NM_001164319.2); short protein forms L880V.
Identifiers: ClinVar variation 2029688 (VCV002029688.4), dbSNP rs369025534, ClinGen allele CA75437426.